The following is an entry in ClinVar:

ClinVar aggregate classification (germline): Likely pathogenic (1 of 4 stars; one submission).

Conditions:
Niemann-Pick disease, type C1. Also called: NEUROVISCERAL STORAGE DISEASE WITH VERTICAL SUPRANUCLEAR OPHTHALMOPLEGIA; NIEMANN-PICK DISEASE WITH CHOLESTEROL ESTERIFICATION BLOCK; NIEMANN-PICK DISEASE WITHOUT SPHINGOMYELINASE DEFICIENCY; NIEMANN-PICK DISEASE, CHRONIC NEURONOPATHIC FORM; NIEMANN-PICK DISEASE, VARIANT TYPE C1. Identifiers: Orphanet 646, MedGen C3179455, MONDO:0009757, OMIM 257220.

Submission:

Myriad Genetics, Inc.
Classification: Likely pathogenic for Niemann-Pick disease, type C1. Last evaluated: 2022-02-12. Review status: criteria provided, single submitter. Criteria: Myriad Women's Health Autosomal Recessive and X-Linked Classification Criteria (2021). Collection method: clinical testing. Allele origin: unknown.
Comment: NM_000271.4(NPC1):c.943delG(A315Qfs*21) is expected to be pathogenic in the context of Niemann-Pick disease type C1. This variant is predicted to lead to an abnormal or absent protein product due to the creation of a premature termination codon in NPC1, a gene where loss-of-function variants are known to be pathogenic. Please note: this variant was assessed in the context of healthy population screening.

NM_000271.5(NPC1):c.943del (p.Ala315fs)

Gene: NPC1 (NPC intracellular cholesterol transporter 1; minus strand). Cytogenetic location: 18q11.2.
Variant type: Deletion.
Coding change: c.943del on transcript NM_000271.5 (MANE Select); coding-DNA position 943, one base deleted (G; older notation c.943delG).
Protein change: p.Ala315fs; shifts the reading frame from alanine 315.
Molecular consequence: frameshift variant.
Genome position (GRCh38, 1-based): chr18:23,557,129, C deleted on the plus strand (G on the coding strand, the reverse complement: NPC1 is on the minus strand). VCF-style (leftmost placement, unchanged base first): chr18-23557128-GC-G. GRCh37 (hg19) VCF-style: chr18-21137092-GC-G.
Other names: short protein forms A315fs.
Identifiers: ClinVar variation 1724380 (VCV001724380.2), dbSNP rs1567966452, ClinGen allele CA628669906.